The following is an entry in ClinVar:

ClinVar aggregate classification (germline): Conflicting classifications of pathogenicity. Review status: criteria provided, conflicting classifications (1 of 4 stars). 4 submissions from 4 submitters: Uncertain significance (1); Benign (1); Likely benign (1). 1 of the submissions does not count toward it. Last evaluated 2026-01-21.

Conditions:
NPHP4-related disorder. Also called: NPHP4-related condition; NPHP4-related disorders. Identifiers: MedGen CN239384.
Nephronophthisis. Also called: Juvenile Nephronophthisis. Identifiers: Orphanet 655, MedGen C0687120, MONDO:0019005, HP:0000090.

Allele frequency attached by ClinVar (database versions not stated): gnomAD 0.00008; 1000 Genomes Project 30x 0.00016; 1000 Genomes Project 0.00020; TOPMed 0.00029.
gnomAD v4.1: 120 of 1,570,722 alleles (0.0076%); highest among the groups gnomAD compares: Admixed American, 0.17%; 1 homozygote.

Submissions (4):

Labcorp Genetics (formerly Invitae), Labcorp
Classification: Benign for Nephronophthisis. Last evaluated: 2026-01-21. Review status: criteria provided, single submitter. Criteria: Invitae Variant Classification Sherloc (09022015). Collection method: clinical testing. Allele origin: germline.

Blueprint Genetics
Classification: Likely benign. Last evaluated: 2024-10-24. Review status: criteria provided, single submitter. Criteria: ACMG Guidelines, 2015. Collection method: clinical testing. Allele origin: germline.

Eurofins Ntd Llc (ga)
Classification: Uncertain significance. Last evaluated: 2018-07-06. Review status: criteria provided, single submitter. Criteria: EGL ClinVar v180209 classification definitions. Collection method: clinical testing. Allele origin: germline. Observed: 5 variant alleles, 5 heterozygotes.

PreventionGenetics, part of Exact Sciences
Classification: Likely benign for NPHP4-related condition. Last evaluated: 2022-03-17. Review status: no assertion criteria provided. Collection method: clinical testing. Allele origin: germline. Not counted in ClinVar's aggregate classification.
Comment: This variant is classified as likely benign based on ACMG/AMP sequence variant interpretation guidelines (Richards et al. 2015 PMID: 25741868, with internal and published modifications).

NM_015102.5(NPHP4):c.2807C>T (p.Thr936Met)

Gene: NPHP4 (nephrocystin 4; minus strand). Cytogenetic location: 1p36.31.
Variant type: single nucleotide variant.
Coding change: c.2807C>T on transcript NM_015102.5 (MANE Select); coding-DNA position 2807, C replaced by T.
Protein change: p.Thr936Met; replaces threonine 936 with methionine.
Molecular consequence: missense variant. On other transcripts: non-coding transcript variant (1).
Genome position (GRCh38, 1-based): chr1:5,877,103, G>A on the plus strand (C>T on the coding strand, the complement: NPHP4 is on the minus strand). VCF-style: chr1-5877103-G-A. GRCh37 (hg19) VCF-style: chr1-5937163-G-A.
Other names: c.1268C>T, p.Thr423Met (NM_001291593.2); c.1271C>T, p.Thr424Met (NM_001291594.2); short protein forms T936M, T423M, T424M.
Identifiers: ClinVar variation 284756 (VCV000284756.18), dbSNP rs201074950, ClinGen allele CA553929.